The following is an entry in ClinVar:

ClinVar aggregate classification (germline): Pathogenic. Review status: criteria provided, multiple submitters, no conflicts (2 of 4 stars). 2 submissions from 2 submitters: Pathogenic (2). Last evaluated 2024-06-06.

Conditions:
Familial cancer of breast. Also called: BREAST CANCER, FAMILIAL; hereditary breast carcinoma; Hereditary breast cancer. Identifiers: Orphanet 227535, MedGen C0346153, MONDO:0016419, OMIM 114480. Disease mechanism: loss of function.

Submissions (2):

Labcorp Genetics (formerly Invitae), Labcorp
Classification: Pathogenic for Familial cancer of breast. Last evaluated: 2024-06-06. Review status: criteria provided, single submitter. Criteria: Invitae Variant Classification Sherloc (09022015). Collection method: clinical testing. Allele origin: germline.
Comment: This sequence change creates a premature translational stop signal (p.Pro85Leufs*25) in the CHEK2 gene. It is expected to result in an absent or disrupted protein product. Loss-of-function variants in CHEK2 are known to be pathogenic (PMID: 21876083, 24713400). This variant is not present in population databases (gnomAD no frequency). This variant has not been reported in the literature in individuals affected with CHEK2-related conditions. ClinVar contains an entry for this variant (Variation ID: 2584165). For these reasons, this variant has been classified as Pathogenic.

Myriad Genetics, Inc.
Classification: Pathogenic for Familial cancer of breast. Last evaluated: 2023-06-23. Review status: criteria provided, single submitter. Criteria: Myriad Autosomal Dominant, Autosomal Recessive and X-Linked Classification Criteria (2023). Collection method: clinical testing. Allele origin: unknown.
Comment: This variant is considered pathogenic. This variant creates a frameshift predicted to result in premature protein truncation.

Literature cited by the submitters: PubMed 21876083 (cited by Labcorp Genetics (formerly Invitae), Labcorp); PubMed 24713400 (cited by Labcorp Genetics (formerly Invitae), Labcorp).

NM_007194.4(CHEK2):c.254del (p.Pro85fs)

Gene: CHEK2 (checkpoint kinase 2; minus strand). Cytogenetic location: 22q12.1.
Variant type: Deletion.
Coding change: c.254del on transcript NM_007194.4 (MANE Select); coding-DNA position 254, one base deleted (C; older notation c.254delC).
Protein change: p.Pro85fs; shifts the reading frame from proline 85.
Molecular consequence: frameshift variant.
Genome position (GRCh38, 1-based): chr22:28,734,468, G deleted on the plus strand (C on the coding strand, the reverse complement: CHEK2 is on the minus strand); the first of 2 consecutive G bases (chr22:28,734,468-28,734,469); deleting either gives the same sequence. VCF-style (leftmost placement, unchanged base first): chr22-28734467-AG-A. GRCh37 (hg19) VCF-style: chr22-29130455-AG-A.
Other names: c.253delC, p.Pro85Leufs (NM_001005735.3, NM_001349956.3, NM_145862.3); c.-525delC (NM_001257387.3); short protein forms P85fs.
Identifiers: ClinVar variation 2584165 (VCV002584165.4), dbSNP rs2518128742, ClinGen allele CA2582342757.